The following is an entry in ClinVar:

ClinVar aggregate classification (germline): Likely pathogenic (1 of 4 stars; one submission).

Conditions:
Glycogen storage disease, type V (GSD5). Also called: MCARDLE DISEASE; MUSCLE GLYCOGEN PHOSPHORYLASE DEFICIENCY; MYOPHOSPHORYLASE DEFICIENCY; PYGM DEFICIENCY; McArdle type glycogen storage disease. Identifiers: Orphanet 368, MedGen C0017924, MONDO:0009293, OMIM 232600.

Submission:

First Genomix Gene Laboratory, Genetic Diagnostics Department
Classification: Likely pathogenic for Glycogen storage disease, type V. Last evaluated: 2025-08-01. Review status: criteria provided, single submitter. Criteria: ACMG Guidelines, 2015. Collection method: clinical testing. Allele origin: germline. Inheritance: Autosomal recessive inheritance. Affected: no. Observed: 1 variant allele.

NM_005609.4(PYGM):c.1353del (p.His451fs)

Gene: PYGM (glycogen phosphorylase, muscle associated; minus strand). Cytogenetic location: 11q13.1.
Variant type: Deletion.
Coding change: c.1353del on transcript NM_005609.4 (MANE Select); coding-DNA position 1353, one base deleted (C; older notation c.1353delC).
Protein change: p.His451fs; shifts the reading frame from histidine 451.
Molecular consequence: frameshift variant.
Genome position (GRCh38, 1-based): chr11:64,753,569, G deleted on the plus strand (C on the coding strand, the reverse complement: PYGM is on the minus strand). VCF-style (leftmost placement, unchanged base first): chr11-64753568-CG-C. GRCh37 (hg19) VCF-style: chr11-64521040-CG-C.
Other names: c.1089del, p.His363fs (NM_001164716.1); c.1353delC (NM_005609.4); short protein forms H363fs, H451fs.
Identifiers: ClinVar variation 4850567 (VCV004850567.1).
Genomic context (GRCh38, chr11:64,753,568, plus strand): 5'-GCGGGGCTCACATGGTCTTCTTGAGGATCTCGGAGTGGATGCGCGCCACGCCGTTGACGG[CG>C]TGCGACCCCGCGATGCACAGGTGTGCCATGTTGATGCGCTTCACTGCGCCCTCCTCCACC-3'